The following is an entry in ClinVar:

ClinVar aggregate classification (germline): Likely pathogenic. Review status: criteria provided, single submitter (1 of 4 stars). 2 submissions from 2 submitters: Likely pathogenic (1). 1 of the submissions does not count toward it. Last evaluated 2025-11-05.

Conditions:
Galactosylceramide beta-galactosidase deficiency. Also called: Leukodystrophy, Globoid Cell; Krabbe Disease; GALACTOCEREBROSIDASE DEFICIENCY; GALC DEFICIENCY; GLOBOID CELL LEUKOENCEPHALOPATHY. Identifiers: Orphanet 487, MedGen C0023521, MONDO:0009499, OMIM 245200.

Allele frequency attached by ClinVar (database versions not stated): gnomAD exomes below 0.00001; ExAC 0.00001.
gnomAD v4.1: 1 of 1,585,698 alleles (0.000063%); highest among the groups gnomAD compares: East Asian, 0.0022%; no homozygotes.

Submissions (2):

Labcorp Genetics (formerly Invitae), Labcorp
Classification: Likely pathogenic for Galactosylceramide beta-galactosidase deficiency. Last evaluated: 2025-11-05. Review status: criteria provided, single submitter. Criteria: Invitae Variant Classification Sherloc (09022015). Collection method: clinical testing. Allele origin: germline.
Comment: This sequence change affects a donor splice site in intron 14 of the GALC gene. It is expected to disrupt RNA splicing. Variants that disrupt the donor or acceptor splice site typically lead to a loss of protein function (PMID: 16199547), and loss-of-function variants in GALC are known to be pathogenic (PMID: 7437911, 9272171, 16607461). This variant is present in population databases (rs749597090, gnomAD 0.006%). This variant has not been reported in the literature in individuals affected with GALC-related conditions. ClinVar contains an entry for this variant (Variation ID: 370570). Algorithms developed to predict the effect of sequence changes on RNA splicing suggest that this variant may disrupt the consensus splice site. In summary, the currently available evidence indicates that the variant is pathogenic, but additional data are needed to prove that conclusively. Therefore, this variant has been classified as Likely Pathogenic.

Counsyl
Classification: Likely pathogenic for Galactosylceramide beta-galactosidase deficiency. Last evaluated: 2016-02-29. Review status: no assertion criteria provided. Collection method: clinical testing. Allele origin: unknown. Not counted in ClinVar's aggregate classification.

Literature cited by the submitters: PubMed 16199547 (cited by Labcorp Genetics (formerly Invitae), Labcorp); PubMed 7437911 (cited by Labcorp Genetics (formerly Invitae), Labcorp); PubMed 9272171 (cited by Labcorp Genetics (formerly Invitae), Labcorp); PubMed 16607461 (cited by Labcorp Genetics (formerly Invitae), Labcorp).

NM_000153.4(GALC):c.1670+1G>A

Gene: GALC (galactosylceramidase; minus strand). Cytogenetic location: 14q31.3.
Variant type: single nucleotide variant.
Coding change: c.1670+1G>A on transcript NM_000153.4 (MANE Select); the canonical splice donor site of the intron after coding-DNA position 1670, G replaced by A.
Molecular consequence: splice donor variant.
Genome position (GRCh38, 1-based): chr14:87,945,552, C>T on the plus strand (G>A on the coding strand, the complement: GALC is on the minus strand). VCF-style: chr14-87945552-C-T. GRCh37 (hg19) VCF-style: chr14-88411896-C-T.
Other names: c.1592+1G>A (NM_001201402.2); c.1601+1G>A (NM_001201401.2).
Identifiers: ClinVar variation 370570 (VCV000370570.9), dbSNP rs749597090, ClinGen allele CA7296962.